The following is an entry in ClinVar:

NM_001127208.3(TET2):c.4522del (p.Ala1508fs)

Genes: TET2 (tet methylcytosine dioxygenase 2; plus strand), TET2-AS1 (TET2 antisense RNA 1; minus strand). Cytogenetic location: 4q24.
Variant type: Deletion.
Coding change: c.4522del on transcript NM_001127208.3 (MANE Select); coding-DNA position 4522, one base deleted (G; older notation c.4522delG).
Protein change: p.Ala1508fs; shifts the reading frame from alanine 1508.
Molecular consequence: frameshift variant.
Genome position (GRCh38, 1-based): chr4:105,272,903, G deleted; the last of 2 consecutive G bases (chr4:105,272,902-105,272,903); deleting either gives the same sequence. VCF-style (leftmost placement, unchanged base first): chr4-105272901-AG-A. GRCh37 (hg19) VCF-style: chr4-106194058-AG-A.
Other names: short protein forms A1508fs.
Identifiers: ClinVar variation 2633603 (VCV002633603.2), dbSNP rs1170485417, ClinGen allele CA645518477.

ClinVar aggregate classification (germline): Uncertain significance (1 of 4 stars; one submission).

Conditions:
TET2-related disorder. Also called: TET2-related condition.

Submission:

PreventionGenetics, part of Exact Sciences
Classification: Uncertain significance for TET2-related condition. Last evaluated: 2025-03-07. Review status: criteria provided, single submitter. Criteria: ACMG Guidelines, 2015. Collection method: clinical testing. Allele origin: germline.
Comment: The TET2 c.4522delG variant is predicted to result in a frameshift and premature protein termination (p.Ala1508Leufs*63). This variant has been reported in an individual with pancytopenia (Northrup et al. 2020. PubMed ID: 31875888). This variant has not been reported in a large population database, indicating this variant is rare. This variant resides in the final exon of this gene, and it is unclear if the resulting mRNA would undergo nonsense-mediated decay. At this time, the clinical significance of this variant is uncertain due to the absence of conclusive functional and genetic evidence.